The following is an entry in ClinVar:

ClinVar aggregate classification (germline): Conflicting classifications of pathogenicity. Review status: criteria provided, conflicting classifications (1 of 4 stars). 3 submissions from 3 submitters: Uncertain significance (2); Likely benign (1). Last evaluated 2026-08-19.

Conditions:
Hereditary nonpolyposis colorectal neoplasms. Identifiers: MedGen C0009405, MeSH D003123.
Hereditary cancer-predisposing syndrome. Also called: Neoplastic Syndromes, Hereditary; Hereditary Cancer Syndrome; Tumor predisposition; Hereditary neoplastic syndrome. Identifiers: Orphanet 140162, MedGen C0027672, MeSH D009386, MONDO:0015356.

Submissions (3):

Ambry Genetics
Classification: Likely benign for Hereditary cancer-predisposing syndrome. Last evaluated: 2026-08-19. Review status: criteria provided, single submitter. Criteria: Ambry Variant Classification Scheme 2023. Collection method: clinical testing. Allele origin: germline.

Labcorp Genetics (formerly Invitae), Labcorp
Classification: Uncertain significance for Hereditary nonpolyposis colorectal neoplasms. Last evaluated: 2025-07-31. Review status: criteria provided, single submitter. Criteria: Invitae Variant Classification Sherloc (09022015). Collection method: clinical testing. Allele origin: germline.
Comment: This sequence change replaces glycine, which is neutral and non-polar, with serine, which is neutral and polar, at codon 45 of the MSH6 protein (p.Gly45Ser). This variant is not present in population databases (gnomAD no frequency). This variant has not been reported in the literature in individuals affected with MSH6-related conditions. ClinVar contains an entry for this variant (Variation ID: 963713). Invitae Evidence Modeling of protein sequence and biophysical properties (such as structural, functional, and spatial information, amino acid conservation, physicochemical variation, residue mobility, and thermodynamic stability) indicates that this missense variant is not expected to disrupt MSH6 protein function with a negative predictive value of 95%. In summary, the available evidence is currently insufficient to determine the role of this variant in disease. Therefore, it has been classified as a Variant of Uncertain Significance.

Color Diagnostics, LLC DBA Color Health
Classification: Uncertain significance for Hereditary cancer-predisposing syndrome. Last evaluated: 2022-12-24. Review status: criteria provided, single submitter. Criteria: ACMG Guidelines, 2015. Collection method: clinical testing. Allele origin: germline.
Comment: This missense variant replaces glycine with serine at codon 45 of the MSH6 protein. Computational prediction suggests that this variant may not impact protein structure and function (internally defined REVEL score threshold <= 0.5, PMID: 27666373). To our knowledge, functional studies have not been reported for this variant. This variant has not been reported in individuals affected with MSH6-related disorders in the literature. This variant has not been identified in the general population by the Genome Aggregation Database (gnomAD). The available evidence is insufficient to determine the role of this variant in disease conclusively. Therefore, this variant is classified as a Variant of Uncertain Significance.

NM_000179.3(MSH6):c.133G>A (p.Gly45Ser)

Gene: MSH6 (mutS homolog 6; plus strand). Cytogenetic location: 2p16.3.
Variant type: single nucleotide variant.
Coding change: c.133G>A on transcript NM_000179.3 (MANE Select); coding-DNA position 133, G replaced by A.
Protein change: p.Gly45Ser; replaces glycine 45 with serine.
Molecular consequence: missense variant. On other transcripts: 5 prime UTR variant (1).
Genome position (GRCh38, 1-based): chr2:47,783,366, G>A. VCF-style: chr2-47783366-G-A. GRCh37 (hg19) VCF-style: chr2-48010505-G-A.
Other names: c.133G>A, p.Gly45Ser (NM_001281492.2); c.-604G>A (NM_001281493.2); short protein forms G45S.
Identifiers: ClinVar variation 963713 (VCV000963713.14), dbSNP rs978968846, ClinGen allele CA46688123.